The following is an entry in ClinVar:

NM_001276345.2(TNNT2):c.820C>A (p.Leu274Ile)

Gene: TNNT2 (troponin T2, cardiac type; minus strand). Cytogenetic location: 1q32.1.
Variant type: single nucleotide variant.
Coding change: c.820C>A on transcript NM_001276345.2 (MANE Select); coding-DNA position 820, C replaced by A.
Protein change: p.Leu274Ile; replaces leucine 274 with isoleucine.
Molecular consequence: missense variant.
Genome position (GRCh38, 1-based): chr1:201,359,654, G>T on the plus strand (C>A on the coding strand, the complement: TNNT2 is on the minus strand). VCF-style: chr1-201359654-G-T. GRCh37 (hg19) VCF-style: chr1-201328782-G-T.
Other names: c.811C>A, p.Leu271Ile (NM_000364.4, NM_001406723.1); c.790C>A, p.Leu264Ile (NM_001001430.3, NM_001276347.2, NM_001406724.1); c.781C>A, p.Leu261Ile (NM_001001431.3, NM_001406726.1, NM_001406727.1); c.772C>A, p.Leu258Ile (NM_001001432.3); c.691C>A, p.Leu231Ile (NM_001276346.2); c.787C>A, p.Leu263Ile (NM_001406725.1); c.775C>A, p.Leu259Ile (NM_001406728.1); short protein forms L231I, L258I, L259I, L261I, L263I, L264I, L271I, L274I.
Identifiers: ClinVar variation 3232332 (VCV003232332.3), dbSNP rs2526891525, ClinGen allele CA344202438.

ClinVar aggregate classification (germline): Uncertain significance. Review status: criteria provided, multiple submitters, no conflicts (2 of 4 stars). 2 submissions from 2 submitters: Uncertain significance (2). Last evaluated 2025-08-30.

Conditions:
Hypertrophic cardiomyopathy 2. Also called: TNNT2-Related Familial Hypertrophic Cardiomyopathy. Identifiers: MedGen C1861864, MONDO:0007266, OMIM 115195.
Cardiomyopathy, familial restrictive, 3. Identifiers: Orphanet 75249, MedGen C2676271, MONDO:0012900, OMIM 612422.
Dilated cardiomyopathy 1D. Identifiers: Orphanet 154, Orphanet 54260, MedGen C1832243, MONDO:0011095, OMIM 601494.
Cardiovascular phenotype. Identifiers: MedGen CN230736.

Submissions (2):

Labcorp Genetics (formerly Invitae), Labcorp
Classification: Uncertain significance for Cardiomyopathy, familial restrictive, 3; Hypertrophic cardiomyopathy 2; Dilated cardiomyopathy 1D. Last evaluated: 2025-08-30. Review status: criteria provided, single submitter. Criteria: Invitae Variant Classification Sherloc (09022015). Collection method: clinical testing. Allele origin: germline.
Comment: This sequence change replaces leucine, which is neutral and non-polar, with isoleucine, which is neutral and non-polar, at codon 264 of the TNNT2 protein (p.Leu264Ile). This variant is not present in population databases (gnomAD no frequency). This variant has not been reported in the literature in individuals affected with TNNT2-related conditions. ClinVar contains an entry for this variant (Variation ID: 3232332). Invitae Evidence Modeling of protein sequence and biophysical properties (such as structural, functional, and spatial information, amino acid conservation, physicochemical variation, residue mobility, and thermodynamic stability) indicates that this missense variant is not expected to disrupt TNNT2 protein function with a negative predictive value of 80%. In summary, the available evidence is currently insufficient to determine the role of this variant in disease. Therefore, it has been classified as a Variant of Uncertain Significance.

Ambry Genetics
Classification: Uncertain significance for Cardiovascular phenotype. Last evaluated: 2023-11-21. Review status: criteria provided, single submitter. Criteria: Ambry Variant Classification Scheme 2023. Collection method: clinical testing. Allele origin: germline.
Comment: The p.L264I variant (also known as c.790C>A), located in coding exon 14 of the TNNT2 gene, results from a C to A substitution at nucleotide position 790. The leucine at codon 264 is replaced by isoleucine, an amino acid with highly similar properties. This amino acid position is conserved. In addition, this alteration is predicted to be deleterious by in silico analysis. Since supporting evidence is limited at this time, the clinical significance of this alteration remains unclear.